The following is an entry in ClinVar:

NM_000202.8(IDS):c.709-1G>C

Genes: IDS (iduronate 2-sulfatase; minus strand), LOC106050102 (IDS recombination region; plus strand). Cytogenetic location: Xq28.
Variant type: single nucleotide variant.
Coding change: c.709-1G>C on transcript NM_000202.8 (MANE Select); the canonical splice acceptor site of the intron before coding-DNA position 709, G replaced by C.
Molecular consequence: splice acceptor variant.
Genome position (GRCh38, 1-based): chrX:149,496,517, C>G on the plus strand (G>C on the coding strand, the complement: IDS is on the minus strand). VCF-style: chrX-149496517-C-G. GRCh37 (hg19) VCF-style: chrX-148578048-C-G.
Other names: NC_000023.10:g.148578048C>G; c.709-1G>C (NM_006123.5); c.439-1G>C (NM_001166550.4).
Identifiers: ClinVar variation 3255820 (VCV003255820.4).

ClinVar aggregate classification (germline): Pathogenic. Review status: criteria provided, multiple submitters, no conflicts (2 of 4 stars). 2 submissions from 2 submitters: Pathogenic (2). Last evaluated 2025-09-24.

Conditions:
Mucopolysaccharidosis, MPS-II (MPS2). Also called: Attenuated MPS (subtype; formerly known as mild MPS II); Severe MPS II; I2S deficiency; MPS 2; Hunter Syndrome; IDURONATE 2-SULFATASE DEFICIENCY. Identifiers: Orphanet 580, Orphanet 79388, MedGen C0026705, MONDO:0010674, OMIM 309900.

Submissions (3):

3billion
Classification: Pathogenic for Mucopolysaccharidosis, MPS-II. Last evaluated: 2025-09-24. Review status: criteria provided, single submitter. Criteria: ACMG Guidelines, 2015. Collection method: clinical testing. Allele origin: germline. Affected: yes.
Comment: The variant is not observed in the gnomAD v4.1.0 dataset. Predicted Consequence/Location: Canonical splice site: predicted to alter splicing and result in a loss or disruption of normal protein function. Multiple pathogenic loss-of-function variants are reported downstream of the variant. In silico tools predict the variant to alter splicing and produce an abnormal transcript [SpliceAI: 1.00 (spliceogenicity >=0.2, non-spliceogenicity <0.1)]. The variant has been reported to be associated with IDS-related disorder (ClinVar ID: VCV003255820 /PMID: 33960103). Therefore, this variant is classified as Pathogenic according to the recommendation of ACMG/AMP guideline.

Laboratory of Diagnosis and Therapy of Lysosomal Disorders, University of Padova
Classification: Pathogenic for Mucopolysaccharidosis, MPS-II. Last evaluated: 2024-06-07. Review status: criteria provided, single submitter. Criteria: ACMG Guidelines, 2015. Collection method: literature only. Allele origin: germline. Affected: yes. Observed: 1 variant allele.
Comment: Null variant (PVS1_Strong), Absent from controls (or at low frequency) in gnomAD database (PM2_Moderate), Patient’s phenotype or family history highly specific for the disease (PP4_Strong)

Classification method: ACMG Guidelines [PMID:25741868] with modifications

Dr. Peter K. Rogan Lab, Western University
No classification provided (evidence only). Condition: Thyroid cancer, nonmedullary, 1. Review status: no classification provided. Collection method: in vitro. Allele origin: not applicable. Functional consequence: skipped exon. Not counted in ClinVar's aggregate classification.

Literature cited by the submitters: PubMed 33960103 (cited by 3billion and Laboratory of Diagnosis and Therapy of Lysosomal Disorders, University of Padova).